The following is an entry in ClinVar:

NM_198525.3(KIF7):c.514G>T (p.Glu172Ter)

Gene: KIF7 (kinesin family member 7; minus strand). Cytogenetic location: 15q26.1.
Variant type: single nucleotide variant.
Coding change: c.514G>T on transcript NM_198525.3 (MANE Select); coding-DNA position 514, G replaced by T.
Protein change: p.Glu172Ter; replaces glutamic acid 172 with a stop codon.
Molecular consequence: nonsense.
Genome position (GRCh38, 1-based): chr15:89,649,756, C>A on the plus strand (G>T on the coding strand, the complement: KIF7 is on the minus strand). VCF-style: chr15-89649756-C-A. GRCh37 (hg19) VCF-style: chr15-90192987-C-A.
Other names: short protein forms E172*.
Identifiers: ClinVar variation 4531514 (VCV004531514.1).
Genomic context (GRCh38, chr15:89,649,756, plus strand): 5'-CCCCTAAGCCCCTCTCCGTCAGTGGAGGACCCCAGAGTTCCTCACCAACATTCCCGCGCT[C>A]ATCTTCCCGGAGCTGGATGTCACGGCTGGCAGTGCCCACCTCGAGCAGGTCTCGGAACTC-3'

ClinVar aggregate classification (germline): Pathogenic (1 of 4 stars; one submission).

Conditions:
Acrocallosal syndrome (ACLS). Also called: HALLUX DUPLICATION, POSTAXIAL POLYDACTYLY, AND ABSENCE OF CORPUS CALLOSUM; Schinzel syndrome 1; Absence of corpus callosum with unusual facial appearance, mental deficiency, duplication of the halluces and polydactyly. Identifiers: Orphanet 36, MedGen C0796147, MONDO:0008708, OMIM 200990.

Submission:

Victorian Clinical Genetics Services, Murdoch Childrens Research Institute
Classification: Pathogenic for Acrocallosal syndrome. Last evaluated: 2024-10-25. Review status: criteria provided, single submitter. Criteria: ACMG Guidelines, 2015. Collection method: clinical testing. Allele origin: germline. Affected: yes.
Comment: This variant is classified as Pathogenic. Evidence in support of pathogenic classification: Variant is predicted to cause nonsense-mediated decay (NMD) and loss of protein (premature termination codon is located at least 54 nucleotides upstream of the final exon-exon junction); Variant is absent from gnomAD (v2, v3 and v4); Other NMD-predicted variants comparable to the one identified in this case have very strong previous evidence for pathogenicity (DECIPHER). Additional information: This variant is homozygous; This gene is associated with autosomal recessive disease; This variant has no previous evidence of pathogenicity; No published segregation evidence has been identified for this variant; No published functional evidence has been identified for this variant; Loss of function is a known mechanism of disease in this gene and is associated with acrocallosal syndrome (MIM#200990), and Joubert syndrome 12 (MIM#200990).